The following is an entry in ClinVar:

NM_001139.3(ALOX12B):c.1248C>A (p.Asn416Lys)

Gene: ALOX12B (arachidonate 12-lipoxygenase, 12R type; minus strand). Cytogenetic location: 17p13.1.
Variant type: single nucleotide variant.
Coding change: c.1248C>A on transcript NM_001139.3 (MANE Select); coding-DNA position 1248, C replaced by A.
Protein change: p.Asn416Lys; replaces asparagine 416 with lysine.
Molecular consequence: missense variant.
Genome position (GRCh38, 1-based): chr17:8,077,017, G>T on the plus strand (C>A on the coding strand, the complement: ALOX12B is on the minus strand). VCF-style: chr17-8077017-G-T. GRCh37 (hg19) VCF-style: chr17-7980335-G-T.
Other names: short protein forms N416K.
Identifiers: ClinVar variation 4535766 (VCV004535766.1).

ClinVar aggregate classification (germline): Likely pathogenic (1 of 4 stars; one submission).

Conditions:
Lamellar ichthyosis. Identifiers: Orphanet 313, MedGen C5848247, MONDO:0017778.

gnomAD v4.1: 11 of 1,613,774 alleles (0.00068%); highest among the groups gnomAD compares: African/African-American, 0.0013%; no homozygotes.

Submission:

Women's Health and Genetics/Laboratory Corporation of America, LabCorp
Classification: Likely pathogenic for Lamellar ichthyosis. Last evaluated: 2025-09-04. Review status: criteria provided, single submitter. Criteria: LabCorp Variant Classification Summary - May 2015. Collection method: clinical testing. Allele origin: germline.
Comment: Variant summary: ALOX12B c.1248C>A (p.Asn416Lys) results in a non-conservative amino acid change in the encoded protein sequence. Algorithms developed to predict the effect of missense changes on protein structure and function all suggest that this variant is likely to be disruptive. The variant was absent in 250476 control chromosomes. c.1248C>A has been observed in the compound heterozygous state in at least one individual affected with Congenital Ichthyosis (Eckl_2009). At least one publication reports experimental evidence evaluating an impact on protein function. The most pronounced variant effect results in absent enzyme activity (Eckl_2005). The following publications have been ascertained in the context of this evaluation (PMID: 16116617, 19131948). No submitters have cited clinical-significance assessments for this variant to ClinVar. Based on the evidence outlined above, the variant was classified as likely pathogenic.

Literature cited by the submitters: PubMed 16116617; PubMed 19131948.